The following is an entry in ClinVar:

ClinVar aggregate classification (germline): Pathogenic/Likely pathogenic. Review status: criteria provided, multiple submitters, no conflicts (2 of 4 stars). 3 submissions from 3 submitters: Pathogenic (1); Likely pathogenic (1). 1 of the submissions does not count toward it. Last evaluated 2022-08-31.

Conditions:
Familial long QT syndrome (RWS). Also called: Congenital long QT syndrome; Romano-Ward syndrome; VENTRICULAR FIBRILLATION WITH PROLONGED QT INTERVAL. Identifiers: Orphanet 768, MedGen C1141890, MONDO:0019171.
Long QT syndrome (LQTS). Identifiers: MedGen C0023976, MeSH D008133, MONDO:0002442. Disease mechanism: loss of function. Inheritance: Various modes of inheritance.

Submissions (3):

Labcorp Genetics (formerly Invitae), Labcorp
Classification: Pathogenic for Long QT syndrome. Last evaluated: 2022-08-31. Review status: criteria provided, single submitter. Criteria: Invitae Variant Classification Sherloc (09022015). Collection method: clinical testing. Allele origin: germline.
Comment: For these reasons, this variant has been classified as Pathogenic. This variant disrupts the p.Asp317 amino acid residue in KCNQ1. Other variant(s) that disrupt this residue have been determined to be pathogenic (PMID: 9302275, 9482580). This suggests that this residue is clinically significant, and that variants that disrupt this residue are likely to be disease-causing. Algorithms developed to predict the effect of missense changes on protein structure and function (SIFT, PolyPhen-2, Align-GVGD) all suggest that this variant is likely to be disruptive. ClinVar contains an entry for this variant (Variation ID: 67129). This missense change has been observed in individuals with clinical features of long QT syndrome (PMID: 14678125, 19490272). This variant is not present in population databases (gnomAD no frequency). This sequence change replaces aspartic acid, which is acidic and polar, with glycine, which is neutral and non-polar, at codon 317 of the KCNQ1 protein (p.Asp317Gly).

Mayo Clinic Laboratories, Mayo Clinic
Classification: Likely pathogenic. Last evaluated: 2020-08-05. Review status: criteria provided, single submitter. Criteria: ACMG Guidelines, 2015. Collection method: clinical testing. Allele origin: germline. Observed: 1 variant allele.
Comment: PS4_Moderate, PM2, PM5, PM1, PP3

Cardiovascular Biomedical Research Unit, Royal Brompton & Harefield NHS Foundation Trust
No classification provided. Condition: Familial long QT syndrome. Review status: no classification provided. Collection method: literature only. Allele origin: germline. Not counted in ClinVar's aggregate classification.
Comment: This variant has been reported as associated with Long QT syndrome in the following publications (PMID:14678125;PMID:17470695). This is a literature report, and does not necessarily reflect the clinical interpretation of the Imperial College / Royal Brompton Cardiovascular Genetics laboratory.

Literature cited by the submitters: PubMed 9302275 (cited by Labcorp Genetics (formerly Invitae), Labcorp and Mayo Clinic Laboratories, Mayo Clinic); PubMed 9482580 (cited by Labcorp Genetics (formerly Invitae), Labcorp and Mayo Clinic Laboratories, Mayo Clinic); PubMed 14678125 (cited by 3 submitters); PubMed 19490272 (cited by Labcorp Genetics (formerly Invitae), Labcorp and Mayo Clinic Laboratories, Mayo Clinic); PubMed 17470695 (cited by Mayo Clinic Laboratories, Mayo Clinic and Cardiovascular Biomedical Research Unit, Royal Brompton & Harefield NHS Foundation Trust); PubMed 10483966 (cited by Mayo Clinic Laboratories, Mayo Clinic); PubMed 29622001 (cited by Mayo Clinic Laboratories, Mayo Clinic); PubMed 20541041 (cited by Mayo Clinic Laboratories, Mayo Clinic); PubMed 22581653 (cited by Cardiovascular Biomedical Research Unit, Royal Brompton & Harefield NHS Foundation Trust).

NM_000218.3(KCNQ1):c.950A>G (p.Asp317Gly)

Gene: KCNQ1 (potassium voltage-gated channel subfamily Q member 1; plus strand). Cytogenetic location: 11p15.5.
Variant type: single nucleotide variant.
Coding change: c.950A>G on transcript NM_000218.3 (MANE Select); coding-DNA position 950, A replaced by G.
Protein change: p.Asp317Gly; replaces aspartic acid 317 with glycine.
Molecular consequence: missense variant.
Genome position (GRCh38, 1-based): chr11:2,583,463, A>G. VCF-style: chr11-2583463-A-G. GRCh37 (hg19) VCF-style: chr11-2604693-A-G.
Other names: c.950A>G (LRG_287t1); c.950A>G, p.Asp317Gly (NM_001406836.1); c.680A>G, p.Asp227Gly (NM_001406837.1); c.506A>G, p.Asp169Gly (NM_001406838.1); c.569A>G, p.Asp190Gly (NM_181798.2); short protein forms D317G, D190G, D227G, D169G.
Identifiers: ClinVar variation 67129 (VCV000067129.14), dbSNP rs199472750, ClinGen allele CA008884.